The following is an entry in ClinVar:

NM_001371596.2(MFSD8):c.864-2A>G

Gene: MFSD8 (major facilitator superfamily domain containing 8; minus strand). Cytogenetic location: 4q28.2.
Variant type: single nucleotide variant.
Coding change: c.864-2A>G on transcript NM_001371596.2 (MANE Select); the canonical splice acceptor site of the intron before coding-DNA position 864, A replaced by G.
Molecular consequence: splice acceptor variant.
Genome position (GRCh38, 1-based): chr4:127,930,819, T>C on the plus strand (A>G on the coding strand, the complement: MFSD8 is on the minus strand). VCF-style: chr4-127930819-T-C. GRCh37 (hg19) VCF-style: chr4-128851974-T-C.
Other names: c.582-2A>G (NM_001371595.1); c.414-2A>G (NM_001410765.1); c.729-2A>G (NM_001371590.2); c.864-2A>G (NM_152778.4, NM_001371591.2); c.549-2A>G (NM_001363521.3); c.750-2A>G (NM_001410766.1, NM_001371593.2); c.663-2A>G (NM_001363520.3); c.717-2A>G (NM_001371594.2); and 1 more.
Identifiers: ClinVar variation 2883174 (VCV002883174.4), dbSNP rs2546084011, ClinGen allele CA358174229.
Genomic context (GRCh38, chr4:127,930,819, plus strand): 5'-ATAACACAGCTTGTTCTTGAGTCCAGGCATACATATCCATTGTTAATGGAGTAATGATGC[T>C]AAGAAAAAAAAAATTATTCTTATTTTATTTAAATCACAGTAACTGTTATACTTAAAGTGA-3'

ClinVar aggregate classification (germline): Likely pathogenic. Review status: criteria provided, multiple submitters, no conflicts (2 of 4 stars). 2 submissions from 2 submitters: Likely pathogenic (2). Last evaluated 2024-03-19.

Conditions:
Neuronal ceroid lipofuscinosis 7 (CLN7). Also called: MFSD8-Related Neuronal Ceroid-Lipofuscinosis. Identifiers: Orphanet 168491, Orphanet 228366, MedGen C1838571, MONDO:0012588, OMIM 610951.

Submissions (2):

Labcorp Genetics (formerly Invitae), Labcorp
Classification: Likely pathogenic for Neuronal ceroid lipofuscinosis 7. Last evaluated: 2024-03-19. Review status: criteria provided, single submitter. Criteria: Invitae Variant Classification Sherloc (09022015). Collection method: clinical testing. Allele origin: germline.
Comment: This sequence change affects an acceptor splice site in intron 9 of the MFSD8 gene. It is expected to disrupt RNA splicing. Variants that disrupt the donor or acceptor splice site typically lead to a loss of protein function (PMID: 16199547), and loss-of-function variants in MFSD8 are known to be pathogenic (PMID: 19177532, 25227500, 28586915). This variant is not present in population databases (gnomAD no frequency). This variant has not been reported in the literature in individuals affected with MFSD8-related conditions. Algorithms developed to predict the effect of sequence changes on RNA splicing suggest that this variant may disrupt the consensus splice site. In summary, the currently available evidence indicates that the variant is pathogenic, but additional data are needed to prove that conclusively. Therefore, this variant has been classified as Likely Pathogenic.

GeneDx
Classification: Likely pathogenic. Last evaluated: 2024-01-27. Review status: criteria provided, single submitter. Criteria: GeneDx Variant Classification Process June 2021. Collection method: clinical testing. Allele origin: germline. Affected: yes.
Comment: Canonical splice site variant predicted to result in an in-frame loss of the adjacent exon in a gene for which loss of function is a known mechanism of disease; Not observed at significant frequency in large population cohorts (gnomAD); Has not been previously published as pathogenic or benign to our knowledge

Literature cited by the submitters: PubMed 16199547 (cited by Labcorp Genetics (formerly Invitae), Labcorp); PubMed 19177532 (cited by Labcorp Genetics (formerly Invitae), Labcorp); PubMed 25227500 (cited by Labcorp Genetics (formerly Invitae), Labcorp); PubMed 28586915 (cited by Labcorp Genetics (formerly Invitae), Labcorp).